The following is an entry in ClinVar:

NM_000053.4(ATP7B):c.2730+2T>A

Gene: ATP7B (ATPase copper transporting beta; minus strand). Cytogenetic location: 13q14.3.
Variant type: single nucleotide variant.
Coding change: c.2730+2T>A on transcript NM_000053.4 (MANE Select); the canonical splice donor site of the intron after coding-DNA position 2730, T replaced by A.
Molecular consequence: splice donor variant.
Genome position (GRCh38, 1-based): chr13:51,950,005, A>T on the plus strand (T>A on the coding strand, the complement: ATP7B is on the minus strand). VCF-style: chr13-51950005-A-T. GRCh37 (hg19) VCF-style: chr13-52524141-A-T.
Other names: c.2244+2T>A (NM_001005918.3, NM_001406546.1, NM_001406542.1 and 1 more transcripts); c.2478+2T>A (NM_001406540.1, NM_001330579.2, NM_001406531.1 and 1 more transcripts); c.2496+2T>A (NM_001406534.1, NM_001406538.1, NM_001330578.2 and 2 more transcripts); c.2586+2T>A (NM_001406520.1, NM_001406537.1, NM_001406521.1 and 1 more transcripts); c.2730+2T>A (NM_001406535.1, NM_001406519.1, NM_001406515.1 and 7 more transcripts); c.2634+2T>A (NM_001406518.1, NM_001406517.1); c.2301+2T>A (NM_001406539.1); c.2148+2T>A (NM_001406544.1); and 8 more.
Identifiers: ClinVar variation 1066983 (VCV001066983.10), dbSNP rs2139201007, ClinGen allele CA388034028.

ClinVar aggregate classification (germline): Likely pathogenic. Review status: criteria provided, multiple submitters, no conflicts (2 of 4 stars). 3 submissions from 3 submitters: Likely pathogenic (3). Last evaluated 2023-02-28.

Conditions:
Wilson disease (WND). Also called: Wilson's disease. Identifiers: Orphanet 905, MedGen C0019202, MONDO:0010200, OMIM 277900. Disease mechanism: loss of function.

Allele frequency attached by ClinVar (database versions not stated): gnomAD exomes 0.00001.
gnomAD v4.1: 5 of 1,614,220 alleles (0.00031%); highest among the groups gnomAD compares: Non-Finnish European, 0.00042%; no homozygotes.

Submissions (3):

Baylor Genetics
Classification: Likely pathogenic for Wilson disease. Last evaluated: 2023-02-28. Review status: criteria provided, single submitter. Criteria: ACMG Guidelines, 2015. Collection method: clinical testing. Allele origin: unknown.

Labcorp Genetics (formerly Invitae), Labcorp
Classification: Likely pathogenic for Wilson disease. Last evaluated: 2022-06-15. Review status: criteria provided, single submitter. Criteria: Invitae Variant Classification Sherloc (09022015). Collection method: clinical testing. Allele origin: germline.
Comment: In summary, the currently available evidence indicates that the variant is pathogenic, but additional data are needed to prove that conclusively. Therefore, this variant has been classified as Likely Pathogenic. Algorithms developed to predict the effect of sequence changes on RNA splicing suggest that this variant may disrupt the consensus splice site. ClinVar contains an entry for this variant (Variation ID: 1066983). This variant has not been reported in the literature in individuals affected with ATP7B-related conditions. This variant is not present in population databases (gnomAD no frequency). This sequence change affects a donor splice site in intron 11 of the ATP7B gene. It is expected to disrupt RNA splicing. Variants that disrupt the donor or acceptor splice site typically lead to a loss of protein function (PMID: 16199547), and loss-of-function variants in ATP7B are known to be pathogenic (PMID: 10441329, 16283883).

Genetics and Molecular Pathology, SA Pathology
Classification: Likely pathogenic for Wilson disease. Last evaluated: 2021-04-15. Review status: criteria provided, single submitter. Criteria: ACMG Guidelines, 2015. Collection method: clinical testing. Allele origin: germline. Inheritance: Autosomal recessive inheritance. Affected: no.

Literature cited by the submitters: PubMed 16199547 (cited by Labcorp Genetics (formerly Invitae), Labcorp); PubMed 10441329 (cited by Labcorp Genetics (formerly Invitae), Labcorp); PubMed 16283883 (cited by Labcorp Genetics (formerly Invitae), Labcorp).